The following is an entry in ClinVar:

ClinVar aggregate classification (germline): Uncertain significance (1 of 4 stars; one submission).

Conditions:
Cardiovascular phenotype. Identifiers: MedGen CN230736.

Allele frequency attached by ClinVar (database versions not stated): gnomAD exomes below 0.00001; gnomAD 0.00001; TOPMed 0.00001.
gnomAD v4.1: 6 of 1,613,800 alleles (0.00037%); highest among the groups gnomAD compares: Non-Finnish European, 0.00051%; no homozygotes.

Submission:

Ambry Genetics
Classification: Uncertain significance for Cardiovascular phenotype. Last evaluated: 2020-06-01. Review status: criteria provided, single submitter. Criteria: Ambry Variant Classification Scheme 2023. Collection method: clinical testing. Allele origin: germline.
Comment: The p.L1150R variant (also known as c.3449T>G), located in coding exon 9 of the AKAP9 gene, results from a T to G substitution at nucleotide position 3449. The leucine at codon 1150 is replaced by arginine, an amino acid with dissimilar properties. This amino acid position is highly conserved in available vertebrate species. In addition, the in silico prediction for this alteration is inconclusive. Since supporting evidence is limited at this time, the clinical significance of this alteration remains unclear.

NM_005751.5(AKAP9):c.3449T>G (p.Leu1150Arg)

Gene: AKAP9 (A-kinase anchoring protein 9; plus strand). Cytogenetic location: 7q21.2.
Variant type: single nucleotide variant.
Coding change: c.3449T>G on transcript NM_005751.5 (MANE Select); coding-DNA position 3449, T replaced by G.
Protein change: p.Leu1150Arg; replaces leucine 1150 with arginine.
Molecular consequence: missense variant.
Genome position (GRCh38, 1-based): chr7:92,012,559, T>G. VCF-style: chr7-92012559-T-G. GRCh37 (hg19) VCF-style: chr7-91641873-T-G.
Other names: c.3449T>G, p.Leu1150Arg (NM_147185.3); short protein forms L1150R.
Identifiers: ClinVar variation 1731532 (VCV001731532.2), dbSNP rs1012576562, ClinGen allele CA161883838.